The following is an entry in ClinVar:

NM_000238.4(KCNH2):c.2509G>T (p.Asp837Tyr)

Gene: KCNH2 (potassium voltage-gated channel subfamily H member 2; minus strand). Cytogenetic location: 7q36.1.
Variant type: single nucleotide variant.
Coding change: c.2509G>T on transcript NM_000238.4 (MANE Select); coding-DNA position 2509, G replaced by T.
Protein change: p.Asp837Tyr; replaces aspartic acid 837 with tyrosine.
Molecular consequence: missense variant.
Genome position (GRCh38, 1-based): chr7:150,948,939, C>A on the plus strand (G>T on the coding strand, the complement: KCNH2 is on the minus strand). VCF-style: chr7-150948939-C-A. GRCh37 (hg19) VCF-style: chr7-150646027-C-A.
Other names: c.2509G>T (LRG_288t1); c.1489G>T, p.Asp497Tyr (NM_172057.3); short protein forms D497Y, D837Y.
Identifiers: ClinVar variation 67406 (VCV000067406.4), dbSNP rs199473005, ClinGen allele CA006879.

ClinVar aggregate classification (germline): Conflicting classifications of pathogenicity. Review status: criteria provided, conflicting classifications (1 of 4 stars). 3 submissions from 3 submitters: Likely pathogenic (1); Uncertain significance (1). 1 of the submissions does not count toward it. Last evaluated 2025-06-02.

Conditions:
Familial long QT syndrome (RWS). Also called: Congenital long QT syndrome; Romano-Ward syndrome; VENTRICULAR FIBRILLATION WITH PROLONGED QT INTERVAL. Identifiers: Orphanet 768, MedGen C1141890, MONDO:0019171.
Long QT syndrome (LQTS). Identifiers: MedGen C0023976, MeSH D008133, MONDO:0002442. Disease mechanism: loss of function. Inheritance: Various modes of inheritance.

Submissions (3):

Labcorp Genetics (formerly Invitae), Labcorp
Classification: Uncertain significance for Long QT syndrome. Last evaluated: 2025-06-02. Review status: criteria provided, single submitter. Criteria: Invitae Variant Classification Sherloc (09022015). Collection method: clinical testing. Allele origin: germline.
Comment: This sequence change replaces aspartic acid, which is acidic and polar, with tyrosine, which is neutral and polar, at codon 837 of the KCNH2 protein (p.Asp837Tyr). This variant is not present in population databases (gnomAD no frequency). This missense change has been observed in individual(s) with KCNH2-related condition (PMID: 19716085). ClinVar contains an entry for this variant (Variation ID: 67406). An algorithm developed to predict the effect of missense changes on protein structure and function (PolyPhen-2) suggests that this variant is likely to be disruptive. Experimental studies have shown that this missense change affects KCNH2 function (PMID: 25417810). This variant disrupts the p.Asp837 amino acid residue in KCNH2. Other variant(s) that disrupt this residue have been determined to be pathogenic (PMID: 19841300, 26669661). This suggests that this residue is clinically significant, and that variants that disrupt this residue are likely to be disease-causing. In summary, the available evidence is currently insufficient to determine the role of this variant in disease. Therefore, it has been classified as a Variant of Uncertain Significance.

GeneDx
Classification: Likely pathogenic. Last evaluated: 2022-05-24. Review status: criteria provided, single submitter. Criteria: GeneDx Variant Classification Process June 2021. Collection method: clinical testing. Allele origin: germline. Affected: yes.
Comment: Not observed at significant frequency in large population cohorts (gnomAD); In silico analysis supports that this missense variant has a deleterious effect on protein structure/function; Published functional studies demonstrate a damaging effect through deficient protein trafficking (Anderson et al., 2014); This variant is associated with the following publications: (PMID: 19716085, 25417810)

Cardiovascular Biomedical Research Unit, Royal Brompton & Harefield NHS Foundation Trust
No classification provided. Condition: Familial long QT syndrome. Review status: no classification provided. Collection method: literature only. Allele origin: germline. Not counted in ClinVar's aggregate classification.
Comment: This variant has been reported as associated with Long QT syndrome in the following publications (PMID:19716085). This is a literature report, and does not necessarily reflect the clinical interpretation of the Imperial College / Royal Brompton Cardiovascular Genetics laboratory.

Literature cited by the submitters: PubMed 19716085 (cited by Labcorp Genetics (formerly Invitae), Labcorp and Cardiovascular Biomedical Research Unit, Royal Brompton & Harefield NHS Foundation Trust); PubMed 25417810 (cited by Labcorp Genetics (formerly Invitae), Labcorp); PubMed 19841300 (cited by Labcorp Genetics (formerly Invitae), Labcorp); PubMed 26669661 (cited by Labcorp Genetics (formerly Invitae), Labcorp); PubMed 22581653 (cited by Cardiovascular Biomedical Research Unit, Royal Brompton & Harefield NHS Foundation Trust).